The following is an entry in ClinVar:

NM_004273.5(CHST3):c.1109G>C (p.Arg370Pro)

Gene: CHST3 (carbohydrate sulfotransferase 3; plus strand). Cytogenetic location: 10q22.1.
Variant type: single nucleotide variant.
Coding change: c.1109G>C on transcript NM_004273.5 (MANE Select); coding-DNA position 1109, G replaced by C.
Protein change: p.Arg370Pro; replaces arginine 370 with proline.
Molecular consequence: missense variant.
Genome position (GRCh38, 1-based): chr10:72,008,140, G>C. VCF-style: chr10-72008140-G-C. GRCh37 (hg19) VCF-style: chr10-73767898-G-C.
Other names: short protein forms R370P.
Identifiers: ClinVar variation 1520219 (VCV001520219.6), dbSNP rs1355385307, ClinGen allele CA377150953.
Genomic context (GRCh38, chr10:72,008,140, plus strand): 5'-TGTCCGCGGAGCTGGGGCTGCGGCAGCCCGCCTGGCTGCGGGGCCGCTACATGCTGGTGC[G>C]CTACGAGGACGTGGCACGCGGGCCGCTGCAGAAGGCCCGCGAGATGTACCGCTTCGCCGG-3'
Protein context (NP_004264.2, residues 360-380): AWLRGRYMLV[Arg370Pro]YEDVARGPLQ

ClinVar aggregate classification (germline): Uncertain significance (1 of 4 stars; one submission).

Conditions:
Spondyloepiphyseal dysplasia with congenital joint dislocations (SEDCJD). Also called: Chondrodysplasia with Congenital Joint Dislocations, CHST3-Related. Identifiers: Orphanet 263463, MedGen C1837657, MONDO:0007738, OMIM 143095.

gnomAD v4.1: 2 of 1,548,354 alleles (0.00013%); highest among the groups gnomAD compares: Non-Finnish European, 0.00017%; no homozygotes.

Submission:

Labcorp Genetics (formerly Invitae), Labcorp
Classification: Uncertain significance for Spondyloepiphyseal dysplasia with congenital joint dislocations. Last evaluated: 2021-09-14. Review status: criteria provided, single submitter. Criteria: Invitae Variant Classification Sherloc (09022015). Collection method: clinical testing. Allele origin: germline.
Comment: This sequence change replaces arginine with proline at codon 370 of the CHST3 protein (p.Arg370Pro). The arginine residue is highly conserved and there is a moderate physicochemical difference between arginine and proline. In summary, the available evidence is currently insufficient to determine the role of this variant in disease. Therefore, it has been classified as a Variant of Uncertain Significance. This variant disrupts the p.Arg370 amino acid residue in CHST3. Other variant(s) that disrupt this residue have been observed in individuals with CHST3-related conditions (Invitae), which suggests that this may be a clinically significant amino acid residue. Algorithms developed to predict the effect of missense changes on protein structure and function (SIFT, PolyPhen-2, Align-GVGD) all suggest that this variant is likely to be disruptive. This missense change has been observed in individual(s) with clinical features of spondyloepiphyseal dysplasia (Invitae). In at least one individual the data is consistent with the variant being in trans (on the opposite chromosome) from a pathogenic variant. The frequency data for this variant in the population databases is considered unreliable, as metrics indicate insufficient coverage at this position in the ExAC database.